The following is an entry in ClinVar:

NM_013432.5(TONSL):c.3358A>T (p.Met1120Leu)

Gene: TONSL (tonsoku like, DNA repair protein; minus strand). Cytogenetic location: 8q24.3.
Variant type: single nucleotide variant.
Coding change: c.3358A>T on transcript NM_013432.5 (MANE Select); coding-DNA position 3358, A replaced by T.
Protein change: p.Met1120Leu; replaces methionine 1120 with leucine.
Molecular consequence: missense variant.
Genome position (GRCh38, 1-based): chr8:144,434,007, T>A on the plus strand (A>T on the coding strand, the complement: TONSL is on the minus strand). VCF-style: chr8-144434007-T-A. GRCh37 (hg19) VCF-style: chr8-145659390-T-A.
Other names: short protein forms M1120L.
Identifiers: ClinVar variation 1466743 (VCV001466743.5), dbSNP rs368520444, ClinGen allele CA4942538.

ClinVar aggregate classification (germline): Uncertain significance (1 of 4 stars; one submission).

Allele frequency attached by ClinVar (database versions not stated): ExAC 0.00001; gnomAD exomes 0.00001.

Submission:

Labcorp Genetics (formerly Invitae), Labcorp
Classification: Uncertain significance. Last evaluated: 2023-12-06. Review status: criteria provided, single submitter. Criteria: Invitae Variant Classification Sherloc (09022015). Collection method: clinical testing. Allele origin: germline.
Comment: This sequence change replaces methionine, which is neutral and non-polar, with leucine, which is neutral and non-polar, at codon 1120 of the TONSL protein (p.Met1120Leu). This variant is present in population databases (rs368520444, gnomAD 0.01%). This variant has not been reported in the literature in individuals affected with TONSL-related conditions. ClinVar contains an entry for this variant (Variation ID: 1466743). Advanced modeling of protein sequence and biophysical properties (such as structural, functional, and spatial information, amino acid conservation, physicochemical variation, residue mobility, and thermodynamic stability) performed at Invitae indicates that this missense variant is not expected to disrupt TONSL protein function with a negative predictive value of 80%. In summary, the available evidence is currently insufficient to determine the role of this variant in disease. Therefore, it has been classified as a Variant of Uncertain Significance.